The following is an entry in ClinVar:

NM_017636.4(TRPM4):c.2785G>A (p.Asp929Asn)

Gene: TRPM4 (transient receptor potential cation channel subfamily M member 4; plus strand). Cytogenetic location: 19q13.33.
Variant type: single nucleotide variant.
Coding change: c.2785G>A on transcript NM_017636.4 (MANE Select); coding-DNA position 2785, G replaced by A.
Protein change: p.Asp929Asn; replaces aspartic acid 929 with asparagine.
Molecular consequence: missense variant.
Genome position (GRCh38, 1-based): chr19:49,200,617, G>A. VCF-style: chr19-49200617-G-A. GRCh37 (hg19) VCF-style: chr19-49703874-G-A.
Other names: c.2350G>A, p.Asp784Asn (NM_001195227.2); c.2440G>A, p.Asp814Asn (NM_001321281.2); c.1177G>A, p.Asp393Asn (NM_001321282.2); c.2263G>A, p.Asp755Asn (NM_001321283.2); c.1723G>A, p.Asp575Asn (NM_001321285.2); short protein forms D929N, D755N, D575N, D784N, D814N, D393N.
Identifiers: ClinVar variation 468938 (VCV000468938.9), dbSNP rs1555762844, ClinGen allele CA406811571.

ClinVar aggregate classification (germline): Uncertain significance. Review status: criteria provided, multiple submitters, no conflicts (2 of 4 stars). 2 submissions from 2 submitters: Uncertain significance (2). Last evaluated 2021-09-07.

Conditions:
Erythrokeratodermia variabilis et progressiva 6. Identifiers: MedGen C5193144, MONDO:0032801, OMIM 618531.
Progressive familial heart block type IB (PFHB1B). Identifiers: Orphanet 871, MedGen C1970298, MONDO:0011474, OMIM 604559.

Allele frequency attached by ClinVar (database versions not stated): gnomAD exomes below 0.00001.
gnomAD v4.1: 1 of 1,613,004 alleles (0.000062%); highest among the groups gnomAD compares: Non-Finnish European, 0.000085%; no homozygotes.

Submissions (2):

Fulgent Genetics
Classification: Uncertain significance for Progressive familial heart block type IB; Erythrokeratodermia variabilis et progressiva 6. Last evaluated: 2021-09-07. Review status: criteria provided, single submitter. Criteria: ACMG Guidelines, 2015. Collection method: clinical testing. Allele origin: unknown.

Labcorp Genetics (formerly Invitae), Labcorp
Classification: Uncertain significance for Progressive familial heart block type IB. Last evaluated: 2017-01-16. Review status: criteria provided, single submitter. Criteria: Invitae Variant Classification Sherloc (09022015). Collection method: clinical testing. Allele origin: germline.
Comment: In summary, this variant is a novel missense change with uncertain impact on protein function. It has been classified as a Variant of Uncertain Significance. Algorithms developed to predict the effect of missense changes on protein structure and function do not agree on the potential impact of this missense change (SIFT: "Tolerated"; PolyPhen-2: "Probably Damaging"; Align-GVGD: "Class C0"). This variant is not present in population databases (ExAC no frequency) and has not been reported in the literature in individuals with a TRPM4-related disease. This sequence change replaces aspartic acid with asparagine at codon 929 of the TRPM4 protein (p.Asp929Asn). The aspartic acid residue is moderately conserved and there is a small physicochemical difference between aspartic acid and asparagine.